The following is an entry in ClinVar:

NM_000215.4(JAK3):c.1361T>C (p.Leu454Pro)

Gene: JAK3 (Janus kinase 3; minus strand). Cytogenetic location: 19p13.11.
Variant type: single nucleotide variant.
Coding change: c.1361T>C on transcript NM_000215.4 (MANE Select); coding-DNA position 1361, T replaced by C.
Protein change: p.Leu454Pro; replaces leucine 454 with proline.
Molecular consequence: missense variant.
Genome position (GRCh38, 1-based): chr19:17,839,557, A>G on the plus strand (T>C on the coding strand, the complement: JAK3 is on the minus strand). VCF-style: chr19-17839557-A-G. GRCh37 (hg19) VCF-style: chr19-17950366-A-G.
Other names: short protein forms L454P.
Identifiers: ClinVar variation 2146256 (VCV002146256.1), dbSNP rs1449242663, ClinGen allele CA404770282.

ClinVar aggregate classification (germline): Uncertain significance (1 of 4 stars; one submission).

Conditions:
T-B+ severe combined immunodeficiency due to JAK3 deficiency. Also called: SCID, autosomal recessive, T-negative/B-positive type; SCID, T CELL-NEGATIVE, B CELL-POSITIVE, NK CELL-NEGATIVE. Identifiers: Orphanet 35078, MedGen C1833275, MONDO:0010938, OMIM 600802.

Allele frequency attached by ClinVar (database versions not stated): TOPMed 0.00001; gnomAD 0.00002; gnomAD exomes 0.00002.
gnomAD v4.1: 32 of 1,608,774 alleles (0.002%); highest among the groups gnomAD compares: Non-Finnish European, 0.0024%; no homozygotes.

Submission:

Labcorp Genetics (formerly Invitae), Labcorp
Classification: Uncertain significance for T-B+ severe combined immunodeficiency due to JAK3 deficiency. Last evaluated: 2022-07-16. Review status: criteria provided, single submitter. Criteria: Invitae Variant Classification Sherloc (09022015). Collection method: clinical testing. Allele origin: germline.
Comment: This sequence change replaces leucine, which is neutral and non-polar, with proline, which is neutral and non-polar, at codon 454 of the JAK3 protein (p.Leu454Pro). This variant is present in population databases (no rsID available, gnomAD 0.002%). This variant has not been reported in the literature in individuals affected with JAK3-related conditions. Algorithms developed to predict the effect of missense changes on protein structure and function are either unavailable or do not agree on the potential impact of this missense change (SIFT: "Tolerated"; PolyPhen-2: "Possibly Damaging"; Align-GVGD: "Class C0"). In summary, the available evidence is currently insufficient to determine the role of this variant in disease. Therefore, it has been classified as a Variant of Uncertain Significance.